The following is an entry in ClinVar:

NM_020750.3(XPO5):c.2422G>A (p.Ala808Thr)

Genes: POLR1C (RNA polymerase I and III subunit C; plus strand), XPO5 (exportin 5; minus strand). Cytogenetic location: 6p21.1.
Variant type: single nucleotide variant.
Coding change: c.2422G>A on transcript NM_020750.3 (MANE Select); coding-DNA position 2422, G replaced by A.
Protein change: p.Ala808Thr; replaces alanine 808 with threonine.
Molecular consequence: missense variant. On other transcripts: non-coding transcript variant (1), intron variant (1).
Genome position (GRCh38, 1-based): chr6:43,533,928, C>T on the plus strand (G>A on the coding strand, the complement: XPO5 is on the minus strand). VCF-style: chr6-43533928-C-T. GRCh37 (hg19) VCF-style: chr6-43501665-C-T.
Other names: c.922+12880C>T (NM_001363658.2); short protein forms A808T.
Identifiers: ClinVar variation 1901260 (VCV001901260.5), dbSNP rs776110268, ClinGen allele CA3826162.
Genomic context (GRCh38, chr6:43,533,928, plus strand): 5'-TAAGATAAACCTTAGGAGAAAAAAGGTTACATTTCTTACCTAATATAGCAGATTTTTCCG[C>T]GTCAAGCATATCCAGAGCCTTGGTGAAAGGCTCTGCCATTTTGGCTAGCATTTCTGGTGC-3'
Protein context (NP_065801.1, residues 798-818): PFTKALDMLD[Ala808Thr]EKSAILGLPQ

ClinVar aggregate classification (germline): Uncertain significance. Review status: criteria provided, multiple submitters, no conflicts (2 of 4 stars). 2 submissions from 2 submitters: Uncertain significance (2). Last evaluated 2025-04-11.

Allele frequency attached by ClinVar (database versions not stated): TOPMed 0.00001; gnomAD 0.00001; gnomAD exomes 0.00001; ExAC 0.00002.
gnomAD v4.1: 20 of 1,604,432 alleles (0.0012%); highest among the groups gnomAD compares: East Asian, 0.011%; no homozygotes.

Submissions (2):

Ambry Genetics
Classification: Uncertain significance. Last evaluated: 2025-04-11. Review status: criteria provided, single submitter. Criteria: Ambry Variant Classification Scheme 2023. Collection method: clinical testing. Allele origin: germline.

Labcorp Genetics (formerly Invitae), Labcorp
Classification: Uncertain significance. Last evaluated: 2024-02-24. Review status: criteria provided, single submitter. Criteria: Invitae Variant Classification Sherloc (09022015). Collection method: clinical testing. Allele origin: germline.
Comment: This sequence change replaces alanine, which is neutral and non-polar, with threonine, which is neutral and polar, at codon 808 of the XPO5 protein (p.Ala808Thr). This variant is present in population databases (rs776110268, gnomAD 0.02%). This variant has not been reported in the literature in individuals affected with XPO5-related conditions. ClinVar contains an entry for this variant (Variation ID: 1901260). An algorithm developed to predict the effect of missense changes on protein structure and function (PolyPhen-2) suggests that this variant is likely to be tolerated. In summary, the available evidence is currently insufficient to determine the role of this variant in disease. Therefore, it has been classified as a Variant of Uncertain Significance.